The following is an entry in ClinVar:

NM_006739.4(MCM5):c.1027A>C (p.Ile343Leu)

Gene: MCM5 (minichromosome maintenance complex component 5; plus strand). Cytogenetic location: 22q12.3.
Variant type: single nucleotide variant.
Coding change: c.1027A>C on transcript NM_006739.4 (MANE Select); coding-DNA position 1027, A replaced by C.
Protein change: p.Ile343Leu; replaces isoleucine 343 with leucine.
Molecular consequence: missense variant.
Genome position (GRCh38, 1-based): chr22:35,412,617, A>C. VCF-style: chr22-35412617-A-C. GRCh37 (hg19) VCF-style: chr22-35808610-A-C.
Other names: short protein forms I343L.
Identifiers: ClinVar variation 3023205 (VCV003023205.3), dbSNP rs773193463, ClinGen allele CA10205242.

ClinVar aggregate classification (germline): Uncertain significance (1 of 4 stars; one submission).

Allele frequency attached by ClinVar (database versions not stated): ExAC 0.00001; gnomAD exomes 0.00001; TOPMed 0.00001.
gnomAD v4.1: 20 of 1,576,986 alleles (0.0013%); highest among the groups gnomAD compares: Non-Finnish European, 0.0015%; no homozygotes.

Submission:

Labcorp Genetics (formerly Invitae), Labcorp
Classification: Uncertain significance. Last evaluated: 2023-08-30. Review status: criteria provided, single submitter. Criteria: Invitae Variant Classification Sherloc (09022015). Collection method: clinical testing. Allele origin: germline.
Comment: This variant has not been reported in the literature in individuals affected with MCM5-related conditions. In summary, the available evidence is currently insufficient to determine the role of this variant in disease. Therefore, it has been classified as a Variant of Uncertain Significance. Advanced modeling of protein sequence and biophysical properties (such as structural, functional, and spatial information, amino acid conservation, physicochemical variation, residue mobility, and thermodynamic stability) performed at Invitae indicates that this missense variant is not expected to disrupt MCM5 protein function. The frequency data for this variant in the population databases is considered unreliable, as metrics indicate poor data quality at this position in the gnomAD database. This sequence change replaces isoleucine, which is neutral and non-polar, with leucine, which is neutral and non-polar, at codon 343 of the MCM5 protein (p.Ile343Leu).